The following is an entry in ClinVar:

ClinVar aggregate classification (germline): Pathogenic/Likely pathogenic. Review status: criteria provided, multiple submitters, no conflicts (2 of 4 stars). 2 submissions from 2 submitters: Pathogenic (1); Likely pathogenic (1). Last evaluated 2024-03-13.

Conditions:
Methylmalonic aciduria due to methylmalonyl-CoA mutase deficiency (MAMM). Also called: Methylmalonic aciduria, mut type. Identifiers: Orphanet 27, MedGen C1855114, MONDO:0009612, OMIM 251000.

Submissions (2):

Labcorp Genetics (formerly Invitae), Labcorp
Classification: Pathogenic. Last evaluated: 2024-03-13. Review status: criteria provided, single submitter. Criteria: Invitae Variant Classification Sherloc (09022015). Collection method: clinical testing. Allele origin: germline.
Comment: This sequence change creates a premature translational stop signal (p.Gly133*) in the MUT gene. It is expected to result in an absent or disrupted protein product. Loss-of-function variants in MUT are known to be pathogenic (PMID: 15781192). This variant is not present in population databases (gnomAD no frequency). This variant has not been reported in the literature in individuals affected with MUT-related conditions. ClinVar contains an entry for this variant (Variation ID: 984273). For these reasons, this variant has been classified as Pathogenic.

Myriad Genetics, Inc.
Classification: Likely pathogenic for Methylmalonic aciduria due to methylmalonyl-CoA mutase deficiency. Last evaluated: 2019-03-30. Review status: criteria provided, single submitter. Criteria: Myriad Women's Health Autosomal Recessive and X-Linked Classification Criteria (2019). Collection method: clinical testing. Allele origin: unknown.
Comment: NM_000255.3(MUT):c.397G>T(G133*) is expected to be pathogenic in the context of MUT-related methylmalonic acidemia. This variant is predicted to lead to an abnormal or absent protein product due to the creation of a premature termination codon in MUT, a gene where loss-of-function variants are known to be pathogenic. Please note: this variant was assessed in the context of healthy population screening.

Literature cited by the submitters: PubMed 15781192 (cited by Labcorp Genetics (formerly Invitae), Labcorp).

NM_000255.4(MMUT):c.397G>T (p.Gly133Ter)

Gene: MMUT (methylmalonyl-CoA mutase; minus strand). Cytogenetic location: 6p12.3.
Variant type: single nucleotide variant.
Coding change: c.397G>T on transcript NM_000255.4 (MANE Select); coding-DNA position 397, G replaced by T.
Protein change: p.Gly133Ter; replaces glycine 133 with a stop codon.
Molecular consequence: nonsense.
Genome position (GRCh38, 1-based): chr6:49,458,047, C>A on the plus strand (G>T on the coding strand, the complement: MMUT is on the minus strand). VCF-style: chr6-49458047-C-A. GRCh37 (hg19) VCF-style: chr6-49425760-C-A.
Other names: short protein forms G133*.
Identifiers: ClinVar variation 984273 (VCV000984273.6), dbSNP rs879253828, ClinGen allele CA364404811.